The following is an entry in ClinVar:

NM_138927.4(SON):c.2327_2332del (p.Leu776_Thr778delinsSer)

Gene: SON (SON DNA and RNA binding protein; plus strand). Cytogenetic location: 21q22.11.
Variant type: Deletion.
Coding change: c.2327_2332del on transcript NM_138927.4 (MANE Select); coding-DNA positions 2327 to 2332, 6 bases deleted (TAGCAA; older notation c.2327_2332delTAGCAA).
Protein change: p.Leu776_Thr778delinsSer.
Molecular consequence: inframe indel. On other transcripts: non-coding transcript variant (1), intron variant (1).
Genome position (GRCh38, 1-based): chr21:33,551,558-33,551,563, TAGCAA deleted. VCF-style (leftmost placement, unchanged base first): chr21-33551557-TTAGCAA-T. GRCh37 (hg19) VCF-style: chr21-34923863-TTAGCAA-T.
Other names: c.2327_2332del, p.Leu776_Thr778delinsSer (NM_001291411.2, NM_032195.3); c.2327_2332delTAGCAA, p.Leu776_Thr778delinsSer (NM_001412133.1, NM_058183.2, NM_138926.1); c.244+5179_244+5184del (NM_001291412.3).
Identifiers: ClinVar variation 2790753 (VCV002790753.3), dbSNP rs2517362284, ClinGen allele CA2739267598.
Genomic context (GRCh38, chr21:33,551,557, plus strand): 5'-TTAGCGTCTAGCACCATGGACTCCCAGATGTTAGCAACTAGCTCCATGGACTCCCAGATG[TTAGCAA>T]CTAGCTCCATGGACTCCCAGATGTTAGCAACTAGCACTATGGACTCCCAGATGTTAGCAA-3'

ClinVar aggregate classification (germline): Uncertain significance (1 of 4 stars; one submission).

Submission:

Labcorp Genetics (formerly Invitae), Labcorp
Classification: Uncertain significance. Last evaluated: 2023-02-19. Review status: criteria provided, single submitter. Criteria: Invitae Variant Classification Sherloc (09022015). Collection method: clinical testing. Allele origin: germline.
Comment: This variant is not present in population databases (gnomAD no frequency). This variant, c.2327_2332del, is a complex sequence change that results in the deletion of 3 and insertion of 1 amino acid(s) in the SON protein (p.Leu776_Thr778delinsSer). In summary, the available evidence is currently insufficient to determine the role of this variant in disease. Therefore, it has been classified as a Variant of Uncertain Significance. Experimental studies and prediction algorithms are not available or were not evaluated, and the functional significance of this variant is currently unknown. This variant has not been reported in the literature in individuals affected with SON-related conditions.